The following is an entry in ClinVar:

ClinVar aggregate classification (germline): Uncertain significance (1 of 4 stars; one submission).

Submission:

Ambry Genetics
Classification: Uncertain significance. Last evaluated: 2025-12-15. Review status: criteria provided, single submitter. Criteria: Ambry Variant Classification Scheme 2023. Collection method: clinical testing. Allele origin: germline.
Comment: The p.P464T variant (also known as c.1390C>A), located in coding exon 8 of the ATRIP gene, results from a C to A substitution at nucleotide position 1390. The proline at codon 464 is replaced by threonine, an amino acid with highly similar properties. This amino acid position is conserved. In addition, this alteration is predicted to be tolerated by in silico analysis. Based on the available evidence, the clinical significance of this variant remains unclear.

NM_130384.3(ATRIP):c.1390C>A (p.Pro464Thr)

Genes: ATRIP (ATR interacting protein; plus strand), ATRIP-TREX1 (ATRIP-TREX1 readthrough; plus strand). Cytogenetic location: 3p21.31.
Variant type: single nucleotide variant.
Coding change: c.1390C>A on transcript NM_130384.3 (MANE Select); coding-DNA position 1390, C replaced by A.
Protein change: p.Pro464Thr; replaces proline 464 with threonine.
Molecular consequence: missense variant. On other transcripts: non-coding transcript variant (1).
Genome position (GRCh38, 1-based): chr3:48,460,444, C>A. VCF-style: chr3-48460444-C-A. GRCh37 (hg19) VCF-style: chr3-48501843-C-A.
Other names: c.1009C>A, p.Pro337Thr (NM_001271022.2); c.1111C>A, p.Pro371Thr (NM_001271023.2); c.1390C>A, p.Pro464Thr (NM_032166.4); short protein forms P371T, P337T, P464T.
Identifiers: ClinVar variation 4842153 (VCV004842153.1).